The following is an entry in ClinVar:

GRCh38/hg38 14q11.2(chr14:18907993-19498584)x3

Genes: LINC01296 (long intergenic non-protein coding RNA 1296; plus strand), LINC01297 (long intergenic non-protein coding RNA 1297; minus strand), LINC01297-DUXAP10-NBEAP6 (LINC01297-DUXAP10-NBEAP6 readthrough; minus strand), LNCRNA-ATB (lncRNA activated by TGF-beta; plus strand), POTEG (POTE ankyrin domain family member G; minus strand) and 4 more. Cytogenetic location: 14q11.2.
Variant type: copy number gain.
Change: copy number 3 (three copies instead of two) of chr14:18,907,993-19,498,584 (590.6 kb, GRCh38 coordinates, 1-based), cytogenetic band 14q11.2.
Identifiers: ClinVar variation 58303 (VCV000058303.3).

ClinVar aggregate classification (germline): Uncertain significance (0 of 4 stars; one submission).

Submission:

ISCA Site 6
Classification: Uncertain significance. Last evaluated: 2011-08-11. Review status: no assertion criteria provided. Collection method: clinical testing. Allele origin: unknown. Affected: yes. Observed: 1 variant allele.
Comment: Copy number variation identified through the course of routine clinical cytogenomic testing in postnatal populations. Clinical assertions have been curated as described in Kaminsky et al. 2011.

Copy number variation identified through the course of routine clinical cytogenomic testing in postnatal populations. Clinical assertions have been curated as described in Kaminsky, et al. 2011 (PubMed 21844811). For additional ClinGen data, please see nstd37.